The following is an entry in ClinVar:

ClinVar aggregate classification (germline): Uncertain significance (1 of 4 stars; one submission).

Allele frequency attached by ClinVar (database versions not stated): gnomAD exomes below 0.00001.

Submission:

Labcorp Genetics (formerly Invitae), Labcorp
Classification: Uncertain significance. Last evaluated: 2021-10-08. Review status: criteria provided, single submitter. Criteria: Invitae Variant Classification Sherloc (09022015). Collection method: clinical testing. Allele origin: germline.
Comment: This sequence change replaces valine with isoleucine at codon 658 of the EMC1 protein (p.Val658Ile). The valine residue is highly conserved and there is a small physicochemical difference between valine and isoleucine. This variant is not present in population databases (ExAC no frequency). This variant has not been reported in the literature in individuals affected with EMC1-related conditions. Algorithms developed to predict the effect of missense changes on protein structure and function (SIFT, PolyPhen-2, Align-GVGD) all suggest that this variant is likely to be tolerated. In summary, the available evidence is currently insufficient to determine the role of this variant in disease. Therefore, it has been classified as a Variant of Uncertain Significance.

NM_015047.3(EMC1):c.1972G>A (p.Val658Ile)

Genes: EMC1 (ER membrane protein complex subunit 1; minus strand), EMC1-AS1 (EMC1 antisense RNA 1; plus strand). Cytogenetic location: 1p36.13.
Variant type: single nucleotide variant.
Coding change: c.1972G>A on transcript NM_015047.3 (MANE Select); coding-DNA position 1972, G replaced by A.
Protein change: p.Val658Ile; replaces valine 658 with isoleucine.
Molecular consequence: missense variant.
Genome position (GRCh38, 1-based): chr1:19,230,936, C>T on the plus strand (G>A on the coding strand, the complement: EMC1 is on the minus strand). VCF-style: chr1-19230936-C-T. GRCh37 (hg19) VCF-style: chr1-19557430-C-T.
Other names: c.1969G>A, p.Val657Ile (NM_001271427.2, NM_001271428.2); c.1906G>A, p.Val636Ile (NM_001271429.2); c.1981G>A, p.Val661Ile (NM_001375820.1); c.1978G>A, p.Val660Ile (NM_001375821.1); short protein forms V636I, V661I, V657I, V658I, V660I.
Identifiers: ClinVar variation 1408804 (VCV001408804.6), dbSNP rs1444676722, ClinGen allele CA338758842.